The following is an entry in ClinVar:

ClinVar aggregate classification (germline): Conflicting classifications of pathogenicity. Review status: criteria provided, conflicting classifications (1 of 4 stars). 5 submissions from 5 submitters: Uncertain significance (1); Benign (1); Likely benign (3). Last evaluated 2026-08-01.

Conditions:
Macrothrombocytopenia and granulocyte inclusions with or without nephritis or sensorineural hearing loss (MATINS). Also called: MACROTHROMBOCYTOPENIA WITH LEUKOCYTE INCLUSIONS; ALPORT SYNDROME WITH MACROTHROMBOCYTOPENIA; Fechtner syndrome; Epstein syndrome; Giant platelet syndrome with thrombocytopenia; SEBASTIAN PLATELET SYNDROME. Identifiers: Orphanet 182050, MedGen C5200934, MONDO:0015912, OMIM 155100.
Autosomal dominant nonsyndromic hearing loss 17. Also called: Deafness, autosomal dominant 17; Autosomal dominant nonsyndromic deafness 17. Identifiers: Orphanet 90635, MedGen C1863659, MONDO:0011350, OMIM 603622.

Allele frequency attached by ClinVar (database versions not stated): TOPMed 0.00002; gnomAD exomes 0.00023 and 0.00048; ExAC 0.00039; gnomAD 0.00046 and 0.00050.
gnomAD v4.1: 410 of 1,613,400 alleles (0.025%); highest among the groups gnomAD compares: Non-Finnish European, 0.0045%; 2 homozygotes.

Submissions (5):

CeGaT Center for Human Genetics Tuebingen
Classification: Likely benign. Last evaluated: 2026-08-01. Review status: criteria provided, single submitter. Criteria: CeGaT Center For Human Genetics Tuebingen Variant Classification Criteria Version 2. Collection method: clinical testing. Allele origin: germline. Affected: yes. Observed: 1 variant allele.
Comment: MYH9: BP4, BS1

Labcorp Genetics (formerly Invitae), Labcorp
Classification: Benign. Last evaluated: 2025-10-11. Review status: criteria provided, single submitter. Criteria: Invitae Variant Classification Sherloc (09022015). Collection method: clinical testing. Allele origin: germline.

Blueprint Genetics
Classification: Likely benign. Last evaluated: 2024-04-25. Review status: criteria provided, single submitter. Criteria: ACMG Guidelines, 2015. Collection method: clinical testing. Allele origin: germline.

GeneDx
Classification: Uncertain significance. Last evaluated: 2022-12-05. Review status: criteria provided, single submitter. Criteria: GeneDx Variant Classification Process June 2021. Collection method: clinical testing. Allele origin: germline. Affected: yes.
Comment: In silico analysis supports that this missense variant does not alter protein structure/function; Has not been previously published as pathogenic or benign to our knowledge

Fulgent Genetics
Classification: Likely benign for Macrothrombocytopenia and granulocyte inclusions with or without nephritis or sensorineural hearing loss; Autosomal dominant nonsyndromic hearing loss 17. Last evaluated: 2021-11-16. Review status: criteria provided, single submitter. Criteria: ACMG Guidelines, 2015. Collection method: clinical testing. Allele origin: unknown.

NM_002473.6(MYH9):c.5542C>G (p.Leu1848Val)

Gene: MYH9 (myosin heavy chain 9; minus strand). Cytogenetic location: 22q12.3.
Variant type: single nucleotide variant.
Coding change: c.5542C>G on transcript NM_002473.6 (MANE Select); coding-DNA position 5542, C replaced by G.
Protein change: p.Leu1848Val; replaces leucine 1848 with valine.
Molecular consequence: missense variant.
Genome position (GRCh38, 1-based): chr22:36,284,453, G>C on the plus strand (C>G on the coding strand, the complement: MYH9 is on the minus strand). VCF-style: chr22-36284453-G-C. GRCh37 (hg19) VCF-style: chr22-36680499-G-C.
Other names: c.5542C>G (NM_002473.4); short protein forms L1848V.
Identifiers: ClinVar variation 717105 (VCV000717105.9), dbSNP rs201174456, ClinGen allele CA10209011.